The following is an entry in ClinVar:

NM_014423.4(AFF4):c.2094G>A (p.Glu698=)

Gene: AFF4 (ALF transcription elongation factor 4; minus strand). Cytogenetic location: 5q31.1.
Variant type: single nucleotide variant.
Coding change: c.2094G>A on transcript NM_014423.4 (MANE Select); coding-DNA position 2094, G replaced by A.
Protein change: p.Glu698=; no amino-acid change (glutamic acid 698 retained).
Molecular consequence: synonymous variant.
Genome position (GRCh38, 1-based): chr5:132,896,536, C>T on the plus strand (G>A on the coding strand, the complement: AFF4 is on the minus strand). VCF-style: chr5-132896536-C-T. GRCh37 (hg19) VCF-style: chr5-132232228-C-T.
Identifiers: ClinVar variation 5002519 (VCV005002519.1).

ClinVar aggregate classification (germline): Likely benign (1 of 4 stars; one submission).

Conditions:
AFF4-related disorder. Also called: AFF4-related condition.

gnomAD v4.1: 1 of 1,614,154 alleles (0.000062%); highest among the groups gnomAD compares: East Asian, 0.0022%; no homozygotes.

Submission:

PreventionGenetics, part of Exact Sciences
Classification: Likely benign for AFF4-related condition. Last evaluated: 2024-12-02. Review status: criteria provided, single submitter. Criteria: ACMG Guidelines, 2015. Collection method: clinical testing. Allele origin: germline.
Comment: This variant is classified as likely benign based on ACMG/AMP sequence variant interpretation guidelines (Richards et al. 2015 PMID: 25741868, with internal and published modifications).